The following is an entry in ClinVar:

NM_000784.4(CYP27A1):c.852G>A (p.Lys284=)

Gene: CYP27A1 (cytochrome P450 family 27 subfamily A member 1; plus strand). Cytogenetic location: 2q35.
Variant type: single nucleotide variant.
Coding change: c.852G>A on transcript NM_000784.4 (MANE Select); coding-DNA position 852, G replaced by A.
Protein change: p.Lys284=; no amino-acid change (lysine 284 retained).
Molecular consequence: synonymous variant.
Genome position (GRCh38, 1-based): chr2:218,812,931, G>A. VCF-style: chr2-218812931-G-A. GRCh37 (hg19) VCF-style: chr2-219677654-G-A.
Other names: c.852G>A.
Identifiers: ClinVar variation 65908 (VCV000065908.3), dbSNP rs587778814, ClinGen allele CA345248.
Genomic context (GRCh38, chr2:218,812,931, plus strand): 5'-TGGAGATCATGACTTTTGGCTTTGTCCTTTCCTCTTCTCTGTTGCTTTCACAGGGAAGAA[G>A]CTGATTGATGAGAAGCTCGAAGATATGGAGGCCCAACTGCAGGCAGCAGGGCCAGATGGC-3'
Protein context (NP_000775.1, residues 274-294): GWNAIFSFGK[Lys284=]LIDEKLEDME

ClinVar aggregate classification (germline): Benign (0 of 4 stars; one submission).

Conditions:
Cholestanol storage disease (CTX). Also called: CEREBRAL CHOLESTERINOSIS; Cerebrotendinous Xanthomatosis; CTX: Cerebrotendinous xanthomatosis. Identifiers: Orphanet 909, MedGen C0238052, MONDO:0008948, OMIM 213700.

Allele frequency attached by ClinVar (database versions not stated): gnomAD exomes below 0.00001.
gnomAD v4.1: 1 of 1,614,244 alleles (0.000062%); highest among the groups gnomAD compares: Non-Finnish European, 0.000085%; no homozygotes.

Submission:

GeneReviews
Classification: Benign for Cerebrotendinous Xanthomatosis. Last evaluated: 2013-08-01. Review status: no assertion criteria provided. Collection method: curation. Allele origin: unknown.
ClinVar note: Converted during submission from non-pathogenic to Benign.